The following is an entry in ClinVar:

ClinVar aggregate classification (germline): Uncertain significance (1 of 4 stars; one submission).

Allele frequency attached by ClinVar (database versions not stated): gnomAD exomes 0.00001; ExAC 0.00002; gnomAD 0.00001.
gnomAD v4.1: 3 of 1,613,968 alleles (0.00019%); highest among the groups gnomAD compares: South Asian, 0.0033%; no homozygotes.

Submission:

Labcorp Genetics (formerly Invitae), Labcorp
Classification: Uncertain significance. Last evaluated: 2021-08-24. Review status: criteria provided, single submitter. Criteria: Invitae Variant Classification Sherloc (09022015). Collection method: clinical testing. Allele origin: germline.
Comment: This sequence change replaces aspartic acid with glutamic acid at codon 3227 of the LRP2 protein (p.Asp3227Glu). The aspartic acid residue is weakly conserved and there is a small physicochemical difference between aspartic acid and glutamic acid. This variant is present in population databases (rs780210235, ExAC 0.01%). This variant has not been reported in the literature in individuals affected with LRP2-related conditions. Advanced modeling of protein sequence and biophysical properties (such as structural, functional, and spatial information, amino acid conservation, physicochemical variation, residue mobility, and thermodynamic stability) performed at Invitae indicates that this missense variant is not expected to disrupt LRP2 protein function. In summary, the available evidence is currently insufficient to determine the role of this variant in disease. Therefore, it has been classified as a Variant of Uncertain Significance.

NM_004525.3(LRP2):c.9681C>A (p.Asp3227Glu)

Gene: LRP2 (LDL receptor related protein 2; minus strand). Cytogenetic location: 2q31.1.
Variant type: single nucleotide variant.
Coding change: c.9681C>A on transcript NM_004525.3 (MANE Select); coding-DNA position 9681, C replaced by A.
Protein change: p.Asp3227Glu; replaces aspartic acid 3227 with glutamic acid.
Molecular consequence: missense variant.
Genome position (GRCh38, 1-based): chr2:169,185,667, G>T on the plus strand (C>A on the coding strand, the complement: LRP2 is on the minus strand). VCF-style: chr2-169185667-G-T. GRCh37 (hg19) VCF-style: chr2-170042177-G-T.
Other names: short protein forms D3227E.
Identifiers: ClinVar variation 1439429 (VCV001439429.5), dbSNP rs780210235, ClinGen allele CA1953533.
Genomic context (GRCh38, chr2:169,185,667, plus strand): 5'-CTGTGTATCAATCCAATACAATCTCTTCTCTACTCGGTCAAAATCTAATGCCACAACATT[G>T]TCCAGTCCTTCCAAGATGAGGGAGTAAAAATAGCCATCTATAGTTAAATTTCTCAAATAG-3'
Protein context (NP_004516.2, residues 3217-3237): YFYSLILEGL[Asp3227Glu]NVVALDFDRV